The following is an entry in ClinVar:

NM_015100.4(POGZ):c.3040C>T (p.Gln1014Ter)

Gene: POGZ (pogo transposable element derived with ZNF domain; minus strand). Cytogenetic location: 1q21.3.
Variant type: single nucleotide variant.
Coding change: c.3040C>T on transcript NM_015100.4 (MANE Select); coding-DNA position 3040, C replaced by T.
Protein change: p.Gln1014Ter; replaces glutamine 1014 with a stop codon.
Molecular consequence: nonsense.
Genome position (GRCh38, 1-based): chr1:151,405,995, G>A on the plus strand (C>T on the coding strand, the complement: POGZ is on the minus strand). VCF-style: chr1-151405995-G-A. GRCh37 (hg19) VCF-style: chr1-151378471-G-A.
Other names: c.3040C>T (NM_015100.3); c.3013C>T, p.Gln1005Ter (NM_001194937.2); c.2854C>T, p.Gln952Ter (NM_001194938.2); c.2755C>T, p.Gln919Ter (NM_145796.4); c.2881C>T, p.Gln961Ter (NM_207171.2); short protein forms Q1005*, Q1014*, Q919*, Q952*, Q961*.
Identifiers: ClinVar variation 1164015 (VCV001164015.2), dbSNP rs2102147153, ClinGen allele CA341946393.

ClinVar aggregate classification (germline): Pathogenic. Review status: criteria provided, single submitter (1 of 4 stars). 2 submissions from 2 submitters: Pathogenic (1). 1 of the submissions does not count toward it. Last evaluated 2024-11-04.

Conditions:
Inborn genetic diseases. Identifiers: MedGen C0950123, MeSH D030342.
Intellectual disability-microcephaly-strabismus-behavioral abnormalities syndrome. Also called: White-Sutton Syndrome. Identifiers: Orphanet 468678, MedGen C4225351, MONDO:0014606, OMIM 616364.

Submissions (2):

Ambry Genetics
Classification: Pathogenic for Inborn genetic diseases. Last evaluated: 2024-11-04. Review status: criteria provided, single submitter. Criteria: Ambry Variant Classification Scheme 2023. Collection method: clinical testing. Allele origin: germline.
Comment: The c.3040C>T (p.Q1014*) alteration, located in exon 19 (coding exon 18) of the POGZ gene, consists of a C to T substitution at nucleotide position 3040. This changes the amino acid from a glutamine (Q) to a stop codon at amino acid position 1014. This alteration occurs at the 3' terminus of the POGZ gene, is not expected to trigger nonsense-mediated mRNA decay, and impacts the last 28.2% of the protein. Premature stop codons are typically deleterious in nature. The impacted region is critical for protein function and a significant portion of the protein is affected (Ambry internal data). This variant was not reported in population-based cohorts in the Genome Aggregation Database (gnomAD). This variant has been determined to be the result of a de novo mutation in one individual with features consistent with White-Sutton syndrome (Stessman, 2016). Based on the available evidence, this alteration is classified as pathogenic.

Pediatric Genetics Clinic, Sheba Medical Center
Classification: Pathogenic for Intellectual disability-microcephaly-strabismus-behavioral abnormalities syndrome. Last evaluated: 2021-05-13. Review status: no assertion criteria provided. Collection method: clinical testing. Allele origin: de novo. Affected: yes. Observed: 1 heterozygote. Not counted in ClinVar's aggregate classification.

Literature cited by the submitters: PubMed 26942287 (cited by Ambry Genetics).